The following is an entry in ClinVar:

ClinVar aggregate classification (germline): Uncertain significance (1 of 4 stars; one submission).

Conditions:
Emery-Dreifuss muscular dystrophy 5, autosomal dominant (EDMD5). Also called: EMERY-DREIFUSS MUSCULAR DYSTROPHY 5. Identifiers: Orphanet 261, MedGen C2751805, MONDO:0013072, OMIM 612999.

gnomAD v4.1: 10 of 1,614,180 alleles (0.00062%); highest among the groups gnomAD compares: Non-Finnish European, 0.00085%; no homozygotes.

Submission:

Labcorp Genetics (formerly Invitae), Labcorp
Classification: Uncertain significance for Emery-Dreifuss muscular dystrophy 5, autosomal dominant. Last evaluated: 2021-09-23. Review status: criteria provided, single submitter. Criteria: Invitae Variant Classification Sherloc (09022015). Collection method: clinical testing. Allele origin: germline.
Comment: This sequence change replaces glutamic acid with aspartic acid at codon 4249 of the SYNE2 protein (p.Glu4249Asp). The glutamic acid residue is moderately conserved and there is a small physicochemical difference between glutamic acid and aspartic acid. This variant is not present in population databases (ExAC no frequency). This variant has not been reported in the literature in individuals affected with SYNE2-related conditions. Algorithms developed to predict the effect of missense changes on protein structure and function are either unavailable or do not agree on the potential impact of this missense change (SIFT: "Tolerated"; PolyPhen-2: "Probably Damaging"; Align-GVGD: "Class C0"). In summary, the available evidence is currently insufficient to determine the role of this variant in disease. Therefore, it has been classified as a Variant of Uncertain Significance.

NM_182914.3(SYNE2):c.12747G>T (p.Glu4249Asp)

Gene: SYNE2 (spectrin repeat containing nuclear envelope protein 2; plus strand). Cytogenetic location: 14q23.2.
Variant type: single nucleotide variant.
Coding change: c.12747G>T on transcript NM_182914.3 (MANE Select); coding-DNA position 12747, G replaced by T.
Protein change: p.Glu4249Asp; replaces glutamic acid 4249 with aspartic acid.
Molecular consequence: missense variant.
Genome position (GRCh38, 1-based): chr14:64,113,478, G>T. VCF-style: chr14-64113478-G-T. GRCh37 (hg19) VCF-style: chr14-64580196-G-T.
Other names: c.12747G>T, p.Glu4249Asp (NM_015180.6); short protein forms E4249D.
Identifiers: ClinVar variation 2043015 (VCV002043015.1), dbSNP rs766778225, ClinGen allele CA261835670.